The following is an entry in ClinVar:

ClinVar aggregate classification (germline): Uncertain significance (1 of 4 stars; one submission).

gnomAD v4.1: 11 of 1,614,208 alleles (0.00068%); highest among the groups gnomAD compares: Non-Finnish European, 0.00093%; no homozygotes.

Submission:

Labcorp Genetics (formerly Invitae), Labcorp
Classification: Uncertain significance. Last evaluated: 2025-01-20. Review status: criteria provided, single submitter. Criteria: Invitae Variant Classification Sherloc (09022015). Collection method: clinical testing. Allele origin: germline.
Comment: This sequence change replaces histidine, which is basic and polar, with tyrosine, which is neutral and polar, at codon 1361 of the ASXL1 protein (p.His1361Tyr). This variant is present in population databases (rs756177197, gnomAD 0.004%). This variant has not been reported in the literature in individuals affected with ASXL1-related conditions. An algorithm developed to predict the effect of missense changes on protein structure and function (PolyPhen-2) suggests that this variant is likely to be tolerated. In summary, the available evidence is currently insufficient to determine the role of this variant in disease. Therefore, it has been classified as a Variant of Uncertain Significance.

NM_015338.6(ASXL1):c.4081C>T (p.His1361Tyr)

Gene: ASXL1 (ASXL transcriptional regulator 1; plus strand). Cytogenetic location: 20q11.21.
Variant type: single nucleotide variant.
Coding change: c.4081C>T on transcript NM_015338.6 (MANE Select); coding-DNA position 4081, C replaced by T.
Protein change: p.His1361Tyr; replaces histidine 1361 with tyrosine.
Molecular consequence: missense variant.
Genome position (GRCh38, 1-based): chr20:32,436,793, C>T. VCF-style: chr20-32436793-C-T. GRCh37 (hg19) VCF-style: chr20-31024596-C-T.
Other names: c.3898C>T, p.His1300Tyr (NM_001363734.1); short protein forms H1300Y, H1361Y.
Identifiers: ClinVar variation 3683965 (VCV003683965.2).